The following is an entry in ClinVar:

NM_000302.4(PLOD1):c.1762C>T (p.Arg588Cys)

Gene: PLOD1 (procollagen-lysine,2-oxoglutarate 5-dioxygenase 1; plus strand). Cytogenetic location: 1p36.22.
Variant type: single nucleotide variant.
Coding change: c.1762C>T on transcript NM_000302.4 (MANE Select); coding-DNA position 1762, C replaced by T.
Protein change: p.Arg588Cys; replaces arginine 588 with cysteine.
Molecular consequence: missense variant.
Genome position (GRCh38, 1-based): chr1:11,970,676, C>T. VCF-style: chr1-11970676-C-T. GRCh37 (hg19) VCF-style: chr1-12030733-C-T.
Other names: c.1903C>T, p.Arg635Cys (NM_001316320.2); short protein forms R635C, R588C.
Identifiers: ClinVar variation 1779603 (VCV001779603.4), dbSNP rs367844314, ClinGen allele CA18018351.
Genomic context (GRCh38, chr1:11,970,676, plus strand): 5'-AGCCTGGGGGCCATCCTAGAATTCTGCCTAAACATTCACCTCGGTCACCTCCAGGACAAC[C>T]GCATCCAGGGTGGCTACGAGAACGTGCCGACTATTGACATCCACATGAACCAGATCGGCT-3'
Protein context (NP_000293.2, residues 578-598): QWSLGNNKDN[Arg588Cys]IQGGYENVPT

ClinVar aggregate classification (germline): Uncertain significance. Review status: criteria provided, multiple submitters, no conflicts (2 of 4 stars). 2 submissions from 2 submitters: Uncertain significance (2). Last evaluated 2022-04-23.

Conditions:
Ehlers-Danlos syndrome, kyphoscoliotic type 1 (EDSKSCL1). Also called: EHLERS-DANLOS SYNDROME, TYPE VIA; Ehlers-Danlos syndrome, hydroxylysine-deficient; EHLERS-DANLOS SYNDROME, OCULAR-SCOLIOTIC TYPE; PLOD1-Related Kyphoscoliotic Ehlers-Danlos Syndrome. Identifiers: Orphanet 1900, MedGen C0268342, MONDO:0016002, OMIM 225400. Disease mechanism: loss of function.
Familial thoracic aortic aneurysm and aortic dissection (TAAD). Also called: Thoracic aortic aneurysms and dissections. Identifiers: Orphanet 91387, MedGen C4707243, MONDO:0019625.

Allele frequency attached by ClinVar (database versions not stated): TOPMed below 0.00001; ESP Exome Variant Server 0.00008.
gnomAD v4.1: 5 of 1,613,174 alleles (0.00031%); highest among the groups gnomAD compares: Admixed American, 0.005%; no homozygotes.

Submissions (2):

Labcorp Genetics (formerly Invitae), Labcorp
Classification: Uncertain significance for Ehlers-Danlos syndrome, kyphoscoliotic type 1. Last evaluated: 2022-04-23. Review status: criteria provided, single submitter. Criteria: Invitae Variant Classification Sherloc (09022015). Collection method: clinical testing. Allele origin: germline.
Comment: This sequence change replaces arginine, which is basic and polar, with cysteine, which is neutral and slightly polar, at codon 588 of the PLOD1 protein (p.Arg588Cys). This variant is present in population databases (rs367844314, gnomAD 0.009%). This variant has not been reported in the literature in individuals affected with PLOD1-related conditions. Algorithms developed to predict the effect of missense changes on protein structure and function are either unavailable or do not agree on the potential impact of this missense change (SIFT: "Deleterious"; PolyPhen-2: "Probably Damaging"; Align-GVGD: "Class C0"). In summary, the available evidence is currently insufficient to determine the role of this variant in disease. Therefore, it has been classified as a Variant of Uncertain Significance.

Ambry Genetics
Classification: Uncertain significance for Familial thoracic aortic aneurysm and aortic dissection. Last evaluated: 2018-07-18. Review status: criteria provided, single submitter. Criteria: Ambry Variant Classification Scheme 2023. Collection method: clinical testing. Allele origin: germline.
Comment: The p.R588C variant (also known as c.1762C>T), located in coding exon 17 of the PLOD1 gene, results from a C to T substitution at nucleotide position 1762. The arginine at codon 588 is replaced by cysteine, an amino acid with highly dissimilar properties. This amino acid position is highly conserved in available vertebrate species. In addition, this alteration is predicted to be deleterious by in silico analysis. Since supporting evidence is limited at this time, the clinical significance of this alteration remains unclear.